The following is an entry in ClinVar:

ClinVar aggregate classification (germline): Likely benign. Review status: criteria provided, multiple submitters, no conflicts (2 of 4 stars). 5 submissions from 5 submitters: Likely benign (5). Last evaluated 2025-12-08.

Conditions:
Cardiovascular phenotype. Identifiers: MedGen CN230736.
Long QT syndrome (LQTS). Identifiers: MedGen C0023976, MeSH D008133, MONDO:0002442. Disease mechanism: loss of function. Inheritance: Various modes of inheritance.

Allele frequency attached by ClinVar (database versions not stated): gnomAD 0.00001; gnomAD exomes 0.00002; TOPMed 0.00002; ExAC 0.00003.
gnomAD v4.1: 32 of 1,613,536 alleles (0.002%); highest among the groups gnomAD compares: Middle Eastern, 0.016%; no homozygotes.

Submissions (5):

Labcorp Genetics (formerly Invitae), Labcorp
Classification: Likely benign for Long QT syndrome. Last evaluated: 2025-12-08. Review status: criteria provided, single submitter. Criteria: Invitae Variant Classification Sherloc (09022015). Collection method: clinical testing. Allele origin: germline.

Blueprint Genetics
Classification: Likely benign. Last evaluated: 2024-09-12. Review status: criteria provided, single submitter. Criteria: ACMG Guidelines, 2015. Collection method: clinical testing. Allele origin: germline.

CeGaT Center for Human Genetics Tuebingen
Classification: Likely benign. Last evaluated: 2024-03-01. Review status: criteria provided, single submitter. Criteria: CeGaT Center For Human Genetics Tuebingen Variant Classification Criteria Version 2. Collection method: clinical testing. Allele origin: germline. Affected: yes. Observed: 1 variant allele.
Comment: CACNA1C: BP4, BP7

Ambry Genetics
Classification: Likely benign for Cardiovascular phenotype. Last evaluated: 2023-12-15. Review status: criteria provided, single submitter. Criteria: Ambry Variant Classification Scheme 2023. Collection method: clinical testing. Allele origin: germline.

GeneDx
Classification: Likely benign. Last evaluated: 2018-05-17. Review status: criteria provided, single submitter. Criteria: GeneDx Variant Classification (06012015). Collection method: clinical testing. Allele origin: germline. Affected: yes.
Comment: This variant is considered likely benign or benign based on one or more of the following criteria: it is a conservative change, it occurs at a poorly conserved position in the protein, it is predicted to be benign by multiple in silico algorithms, and/or has population frequency not consistent with disease.

NM_000719.7(CACNA1C):c.2565C>T (p.Val855=)

Gene: CACNA1C (calcium voltage-gated channel subunit alpha1 C; plus strand). Cytogenetic location: 12p13.33.
Variant type: single nucleotide variant.
Coding change: c.2565C>T on transcript NM_000719.7 (MANE Select); coding-DNA position 2565, C replaced by T.
Protein change: p.Val855=; no amino-acid change (valine 855 retained).
Molecular consequence: synonymous variant.
Genome position (GRCh38, 1-based): chr12:2,593,247, C>T. VCF-style: chr12-2593247-C-T. GRCh37 (hg19) VCF-style: chr12-2702413-C-T.
Other names: c.2565C>T, p.Val855= (NM_001129827.2, NM_001129829.2, NM_001129830.3 and 18 more transcripts); c.2556C>T, p.Val852= (NM_001129844.2).
Identifiers: ClinVar variation 527114 (VCV000527114.33), dbSNP rs760390307, ClinGen allele CA6389011.